The following is an entry in ClinVar:

NM_198994.3(TGM6):c.2009T>G (p.Phe670Cys)

Gene: TGM6 (transglutaminase 6; plus strand). Cytogenetic location: 20p13.
Variant type: single nucleotide variant.
Coding change: c.2009T>G on transcript NM_198994.3 (MANE Select); coding-DNA position 2009, T replaced by G.
Protein change: p.Phe670Cys; replaces phenylalanine 670 with cysteine.
Molecular consequence: missense variant. On other transcripts: synonymous variant (1).
Genome position (GRCh38, 1-based): chr20:2,432,531, T>G. VCF-style: chr20-2432531-T-G. GRCh37 (hg19) VCF-style: chr20-2413177-T-G.
Other names: c.1875T>G, p.Val625= (NM_001254734.2); short protein forms F670C.
Identifiers: ClinVar variation 4976338 (VCV004976338.1).
Genomic context (GRCh38, chr20:2,432,531, plus strand): 5'-TCCCCTCCCCTTCCTCCAGCGTGCCTACCCTGGAGCCTCAGGAGAGGGCCTCAGTCCAGT[T>G]TGACATCACCCCCTCCAAAAGTGGCCCAAGGCAGCTGCAGGTGGACCTTGTAAGCCCTCA-3'
Protein context (NP_945345.2, residues 660-680): LEPQERASVQ[Phe670Cys]DITPSKSGPR

ClinVar aggregate classification (germline): Uncertain significance (1 of 4 stars; one submission).

gnomAD v4.1: 1 of 1,614,118 alleles (0.000062%); highest among the groups gnomAD compares: Non-Finnish European, 0.000085%; no homozygotes.

Submission:

GeneDx
Classification: Uncertain significance. Last evaluated: 2026-02-13. Review status: criteria provided, single submitter. Criteria: GeneDx Variant Classification Process June 2021. Collection method: clinical testing. Allele origin: germline.
Comment: Not observed at significant frequency in large population cohorts (gnomAD); In silico analysis supports that this missense variant has a deleterious effect on protein structure/function; Has not been previously published as pathogenic or benign to our knowledge